The following is an entry in ClinVar:

ClinVar aggregate classification (germline): Uncertain significance (1 of 4 stars; one submission).

Conditions:
Parkinson disease 17 (PARK17). Also called: VPS35-Related Parkinson Disease. Identifiers: Orphanet 411602, MedGen C3280133, MONDO:0013625, OMIM 614203.

Submission:

Labcorp Genetics (formerly Invitae), Labcorp
Classification: Uncertain significance for Parkinson disease 17. Last evaluated: 2024-04-03. Review status: criteria provided, single submitter. Criteria: Invitae Variant Classification Sherloc (09022015). Collection method: clinical testing. Allele origin: germline.
Comment: This sequence change replaces proline, which is neutral and non-polar, with serine, which is neutral and polar, at codon 8 of the VPS35 protein (p.Pro8Ser). This variant is not present in population databases (gnomAD no frequency). This variant has not been reported in the literature in individuals affected with VPS35-related conditions. An algorithm developed to predict the effect of missense changes on protein structure and function (PolyPhen-2) suggests that this variant is likely to be tolerated. In summary, the available evidence is currently insufficient to determine the role of this variant in disease. Therefore, it has been classified as a Variant of Uncertain Significance.

NM_018206.6(VPS35):c.22C>T (p.Pro8Ser)

Gene: VPS35 (VPS35 retromer complex component; minus strand). Cytogenetic location: 16q11.2.
Variant type: single nucleotide variant.
Coding change: c.22C>T on transcript NM_018206.6 (MANE Select); coding-DNA position 22, C replaced by T.
Protein change: p.Pro8Ser; replaces proline 8 with serine.
Molecular consequence: missense variant.
Genome position (GRCh38, 1-based): chr16:46,683,588, G>A on the plus strand (C>T on the coding strand, the complement: VPS35 is on the minus strand). VCF-style: chr16-46683588-G-A. GRCh37 (hg19) VCF-style: chr16-46717500-G-A.
Other names: short protein forms P8S.
Identifiers: ClinVar variation 3690250 (VCV003690250.2).